The following is an entry in ClinVar:

NM_005245.4(FAT1):c.3809C>A (p.Pro1270Gln)

Gene: FAT1 (FAT atypical cadherin 1; minus strand). Cytogenetic location: 4q35.2.
Variant type: single nucleotide variant.
Coding change: c.3809C>A on transcript NM_005245.4 (MANE Select); coding-DNA position 3809, C replaced by A.
Protein change: p.Pro1270Gln; replaces proline 1270 with glutamine.
Molecular consequence: missense variant.
Genome position (GRCh38, 1-based): chr4:186,636,748, G>T on the plus strand (C>A on the coding strand, the complement: FAT1 is on the minus strand). VCF-style: chr4-186636748-G-T. GRCh37 (hg19) VCF-style: chr4-187557902-G-T.
Other names: short protein forms P1270Q.
Identifiers: ClinVar variation 2882002 (VCV002882002.3), dbSNP rs749853000, ClinGen allele CA358984982.

ClinVar aggregate classification (germline): Uncertain significance (1 of 4 stars; one submission).

gnomAD v4.1: 3 of 1,613,796 alleles (0.00019%); highest among the groups gnomAD compares: Non-Finnish European, 0.00025%; no homozygotes.

Submission:

Labcorp Genetics (formerly Invitae), Labcorp
Classification: Uncertain significance. Last evaluated: 2023-01-14. Review status: criteria provided, single submitter. Criteria: Invitae Variant Classification Sherloc (09022015). Collection method: clinical testing. Allele origin: germline.
Comment: This variant is not present in population databases (gnomAD no frequency). This sequence change replaces proline, which is neutral and non-polar, with glutamine, which is neutral and polar, at codon 1270 of the FAT1 protein (p.Pro1270Gln). This variant has not been reported in the literature in individuals affected with FAT1-related conditions. In summary, the available evidence is currently insufficient to determine the role of this variant in disease. Therefore, it has been classified as a Variant of Uncertain Significance. Algorithms developed to predict the effect of missense changes on protein structure and function (SIFT, PolyPhen-2, Align-GVGD) all suggest that this variant is likely to be disruptive.